The following is an entry in ClinVar:

NM_032776.3(JMJD1C):c.4847G>A (p.Arg1616Lys)

Gene: JMJD1C (jumonji domain containing 1C; minus strand). Cytogenetic location: 10q21.3.
Variant type: single nucleotide variant.
Coding change: c.4847G>A on transcript NM_032776.3 (MANE Select); coding-DNA position 4847, G replaced by A.
Protein change: p.Arg1616Lys; replaces arginine 1616 with lysine.
Molecular consequence: missense variant. On other transcripts: non-coding transcript variant (1).
Genome position (GRCh38, 1-based): chr10:63,206,822, C>T on the plus strand (G>A on the coding strand, the complement: JMJD1C is on the minus strand). VCF-style: chr10-63206822-C-T. GRCh37 (hg19) VCF-style: chr10-64966582-C-T.
Other names: c.4301G>A, p.Arg1434Lys (NM_001282948.2, NM_001318154.2); c.3983G>A, p.Arg1328Lys (NM_001318153.2); c.4733G>A, p.Arg1578Lys (NM_001322252.2); c.4190G>A, p.Arg1397Lys (NM_001322254.2, NM_001322258.2); short protein forms R1328K, R1397K, R1434K, R1578K, R1616K.
Identifiers: ClinVar variation 2640510 (VCV002640510.24), dbSNP rs1589145650, ClinGen allele CA377036221.

ClinVar aggregate classification (germline): Uncertain significance (1 of 4 stars; one submission).

Submission:

CeGaT Center for Human Genetics Tuebingen
Classification: Uncertain significance. Last evaluated: 2023-07-01. Review status: criteria provided, single submitter. Criteria: CeGaT Center For Human Genetics Tuebingen Variant Classification Criteria Version 2. Collection method: clinical testing. Allele origin: germline. Affected: yes. Observed: 1 variant allele.
Comment: JMJD1C: PM2, BP4